The following is an entry in ClinVar:

ClinVar aggregate classification (germline): Uncertain significance (1 of 4 stars; one submission).

Allele frequency attached by ClinVar (database versions not stated): gnomAD exomes 0.00006 and 0.00016; ExAC 0.00007; gnomAD 0.00007 and 0.00008; TOPMed 0.00010; ESP Exome Variant Server 0.00054.

Submission:

Labcorp Genetics (formerly Invitae), Labcorp
Classification: Uncertain significance. Last evaluated: 2025-11-10. Review status: criteria provided, single submitter. Criteria: Invitae Variant Classification Sherloc (09022015). Collection method: clinical testing. Allele origin: germline.
Comment: This sequence change replaces isoleucine, which is neutral and non-polar, with threonine, which is neutral and polar, at codon 250 of the PLOD3 protein (p.Ile250Thr). This variant is present in population databases (rs138687024, gnomAD 0.01%). This variant has not been reported in the literature in individuals affected with PLOD3-related conditions. ClinVar contains an entry for this variant (Variation ID: 1488387). Invitae Evidence Modeling of protein sequence and biophysical properties (such as structural, functional, and spatial information, amino acid conservation, physicochemical variation, residue mobility, and thermodynamic stability) indicates that this missense variant is expected to disrupt PLOD3 protein function with a positive predictive value of 80%. In summary, the available evidence is currently insufficient to determine the role of this variant in disease. Therefore, it has been classified as a Variant of Uncertain Significance.

NM_001084.5(PLOD3):c.749T>C (p.Ile250Thr)

Gene: PLOD3 (procollagen-lysine,2-oxoglutarate 5-dioxygenase 3; minus strand). Cytogenetic location: 7q22.1.
Variant type: single nucleotide variant.
Coding change: c.749T>C on transcript NM_001084.5 (MANE Select); coding-DNA position 749, T replaced by C.
Protein change: p.Ile250Thr; replaces isoleucine 250 with threonine.
Molecular consequence: missense variant.
Genome position (GRCh38, 1-based): chr7:101,213,135, A>G on the plus strand (T>C on the coding strand, the complement: PLOD3 is on the minus strand). VCF-style: chr7-101213135-A-G. GRCh37 (hg19) VCF-style: chr7-100856416-A-G.
Other names: short protein forms I250T.
Identifiers: ClinVar variation 1488387 (VCV001488387.6), dbSNP rs138687024, ClinGen allele CA4408042.